The following is an entry in ClinVar:

NM_001458.5(FLNC):c.6260A>T (p.Asn2087Ile)

Genes: FLNC-AS1 (FLNC antisense RNA 1; minus strand), FLNC (filamin C; plus strand). Cytogenetic location: 7q32.1.
Variant type: single nucleotide variant.
Coding change: c.6260A>T on transcript NM_001458.5 (MANE Select); coding-DNA position 6260, A replaced by T.
Protein change: p.Asn2087Ile; replaces asparagine 2087 with isoleucine.
Molecular consequence: missense variant.
Genome position (GRCh38, 1-based): chr7:128,853,520, A>T. VCF-style: chr7-128853520-A-T. GRCh37 (hg19) VCF-style: chr7-128493574-A-T.
Other names: c.6161A>T, p.Asn2054Ile (NM_001127487.2); short protein forms N2054I, N2087I.
Identifiers: ClinVar variation 1714154 (VCV001714154.6), dbSNP rs749938373, ClinGen allele CA369211928.

ClinVar aggregate classification (germline): Uncertain significance (1 of 4 stars; one submission).

Conditions:
Myofibrillar myopathy 5. Also called: Filaminopathy (type); FILAMINOPATHY, AUTOSOMAL DOMINANT. Identifiers: Orphanet 171445, MedGen C1836050, MONDO:0012289, OMIM 609524.
Distal myopathy with posterior leg and anterior hand involvement. Also called: WILLIAMS DISTAL MYOPATHY. Identifiers: Orphanet 63273, MedGen C3279722, MONDO:0013550, OMIM 614065.
Hypertrophic cardiomyopathy 26. Also called: Cardiomyopathy, familial hypertrophic, 26. Identifiers: Orphanet 75249, MedGen C4310749, MONDO:0014883, OMIM 617047.

Submission:

Labcorp Genetics (formerly Invitae), Labcorp
Classification: Uncertain significance for Distal myopathy with posterior leg and anterior hand involvement; Myofibrillar myopathy 5; Hypertrophic cardiomyopathy 26. Last evaluated: 2022-07-29. Review status: criteria provided, single submitter. Criteria: Invitae Variant Classification Sherloc (09022015). Collection method: clinical testing. Allele origin: germline.
Comment: In summary, the available evidence is currently insufficient to determine the role of this variant in disease. Therefore, it has been classified as a Variant of Uncertain Significance. Algorithms developed to predict the effect of missense changes on protein structure and function are either unavailable or do not agree on the potential impact of this missense change (SIFT: "Deleterious"; PolyPhen-2: "Benign"; Align-GVGD: "Class C15"). This variant has not been reported in the literature in individuals affected with FLNC-related conditions. This variant is not present in population databases (gnomAD no frequency). This sequence change replaces asparagine, which is neutral and polar, with isoleucine, which is neutral and non-polar, at codon 2087 of the FLNC protein (p.Asn2087Ile).